The following is an entry in ClinVar:

NM_000435.3(NOTCH3):c.2260A>G (p.Met754Val)

Gene: NOTCH3 (notch receptor 3; minus strand). Cytogenetic location: 19p13.12.
Variant type: single nucleotide variant.
Coding change: c.2260A>G on transcript NM_000435.3 (MANE Select); coding-DNA position 2260, A replaced by G.
Protein change: p.Met754Val; replaces methionine 754 with valine.
Molecular consequence: missense variant.
Genome position (GRCh38, 1-based): chr19:15,185,293, T>C on the plus strand (A>G on the coding strand, the complement: NOTCH3 is on the minus strand). VCF-style: chr19-15185293-T-C. GRCh37 (hg19) VCF-style: chr19-15296104-T-C.
Other names: p.Met754Val; short protein forms M754V.
Identifiers: ClinVar variation 4684323 (VCV004684323.1).

ClinVar aggregate classification (germline): Likely benign (1 of 4 stars; one submission).

gnomAD v4.1: 59 of 1,612,956 alleles (0.0037%); highest among the groups gnomAD compares: Non-Finnish European, 0.0049%; no homozygotes.

Submission:

Mayo Clinic Laboratories, Mayo Clinic
Classification: Likely benign. Last evaluated: 2025-08-22. Review status: criteria provided, single submitter. Criteria: ACMG Guidelines, 2015. Collection method: clinical testing. Allele origin: germline. Observed: 1 variant allele.
Comment: BP1, BP4